The following is an entry in ClinVar:

NM_006767.4(LZTR1):c.855C>G (p.Tyr285Ter)

Gene: LZTR1 (leucine zipper like post translational regulator 1; plus strand). Cytogenetic location: 22q11.21.
Variant type: single nucleotide variant.
Coding change: c.855C>G on transcript NM_006767.4 (MANE Select); coding-DNA position 855, C replaced by G.
Protein change: p.Tyr285Ter; replaces tyrosine 285 with a stop codon.
Molecular consequence: nonsense.
Genome position (GRCh38, 1-based): chr22:20,991,691, C>G. VCF-style: chr22-20991691-C-G. GRCh37 (hg19) VCF-style: chr22-21345980-C-G.
Other names: short protein forms Y285*.
Identifiers: ClinVar variation 3541578 (VCV003541578.1).

ClinVar aggregate classification (germline): Pathogenic (1 of 4 stars; one submission).

Conditions:
Hereditary cancer-predisposing syndrome. Also called: Hereditary Cancer Syndrome; Hereditary neoplastic syndrome; Tumor predisposition; Neoplastic Syndromes, Hereditary. Identifiers: Orphanet 140162, MedGen C0027672, MeSH D009386, MONDO:0015356.
Cardiovascular phenotype. Identifiers: MedGen CN230736.

gnomAD v4.1: 1 of 1,603,176 alleles (0.000062%); highest among the groups gnomAD compares: Non-Finnish European, 0.000085%; no homozygotes.

Submission:

Ambry Genetics
Classification: Pathogenic for Cardiovascular phenotype; Hereditary cancer-predisposing syndrome. Last evaluated: 2024-07-23. Review status: criteria provided, single submitter. Criteria: Ambry Variant Classification Scheme 2023. Collection method: clinical testing. Allele origin: germline.
Comment: The p.Y285* pathogenic mutation (also known as c.855C>G), located in coding exon 9 of the LZTR1 gene, results from a C to G substitution at nucleotide position 855. This changes the amino acid from a tyrosine to a stop codon within coding exon 9. This variant was reported in an individual with features consistent with LZTR1-related schwannomatosis Caltabiano R et al. Childs Nerv Syst, 2017 Jun;33:933-940). This variant is considered to be rare based on population cohorts in the Genome Aggregation Database (gnomAD). Loss-of-function variants in LZTR1 are related to an increased risk for schwannomas and autosomal recessive Noonan syndrome; however, such associations with autosomal dominant Noonan syndrome have not been observed (Piotrowski A et al. Nat Genet. 2014 Feb;46:182-7; Yamamoto GL et al. J Med Genet. 2015 Jun;52:413-21; Johnston JJ et al. Genet Med. 2018 10;20:1175-1185). This alteration is expected to result in loss of function by premature protein truncation or nonsense-mediated mRNA decay. Based on the supporting evidence, this variant is pathogenic for an increased risk of LZTR1-related schwannomatosis (SWN) and would be expected to cause autosomal recessive Noonan syndrome when present along with a second pathogenic or likely pathogenic variant on the other allele; however, the association of this alteration with autosomal dominant Noonan syndrome is unlikely.

Literature cited by the submitters: PubMed 28365909.